The following is an entry in ClinVar:

NM_004211.5(SLC6A5):c.745G>T (p.Val249Leu)

Gene: SLC6A5 (solute carrier family 6 member 5; plus strand). Cytogenetic location: 11p15.1.
Variant type: single nucleotide variant.
Coding change: c.745G>T on transcript NM_004211.5 (MANE Select); coding-DNA position 745, G replaced by T.
Protein change: p.Val249Leu; replaces valine 249 with leucine.
Molecular consequence: missense variant.
Genome position (GRCh38, 1-based): chr11:20,607,072, G>T. VCF-style: chr11-20607072-G-T. GRCh37 (hg19) VCF-style: chr11-20628618-G-T.
Other names: c.43G>T, p.Val15Leu (NM_001318369.2); short protein forms V15L, V249L.
Identifiers: ClinVar variation 1985282 (VCV001985282.4), dbSNP rs1852596739, ClinGen allele CA379913774.
Genomic context (GRCh38, chr11:20,607,072, plus strand): 5'-TTCCTCATCCCTTACCTGATGATGCTGGCTCTGGCTGGATTACCCATCTTCTTCTTGGAG[G>T]TGTCGCTGGGCCAGTTTGCCAGCCAGGGACCAGTGTCTGTGTGGAAGGCCATCCCAGCTC-3'
Protein context (NP_004202.4, residues 239-259): LAGLPIFFLE[Val249Leu]SLGQFASQGP

ClinVar aggregate classification (germline): Uncertain significance (1 of 4 stars; one submission).

Conditions:
Hyperekplexia 3 (HKPX3). Also called: HYPEREKPLEXIA 3, AUTOSOMAL RECESSIVE; HYPEREKPLEXIA 3, AUTOSOMAL DOMINANT. Identifiers: Orphanet 3197, MedGen C3553288, MONDO:0013827, OMIM 614618.

Submission:

Labcorp Genetics (formerly Invitae), Labcorp
Classification: Uncertain significance for Hyperekplexia 3. Last evaluated: 2022-07-26. Review status: criteria provided, single submitter. Criteria: Invitae Variant Classification Sherloc (09022015). Collection method: clinical testing. Allele origin: germline.
Comment: This sequence change replaces valine, which is neutral and non-polar, with leucine, which is neutral and non-polar, at codon 249 of the SLC6A5 protein (p.Val249Leu). In summary, the available evidence is currently insufficient to determine the role of this variant in disease. Therefore, it has been classified as a Variant of Uncertain Significance. Advanced modeling of protein sequence and biophysical properties (such as structural, functional, and spatial information, amino acid conservation, physicochemical variation, residue mobility, and thermodynamic stability) performed at Invitae indicates that this missense variant is not expected to disrupt SLC6A5 protein function. This variant has not been reported in the literature in individuals affected with SLC6A5-related conditions. This variant is not present in population databases (gnomAD no frequency).